The following is an entry in ClinVar:

NM_000466.3(PEX1):c.1895del (p.Leu632fs)

Gene: PEX1 (peroxisomal biogenesis factor 1; minus strand). Cytogenetic location: 7q21.2.
Variant type: Deletion.
Coding change: c.1895del on transcript NM_000466.3 (MANE Select); coding-DNA position 1895, one base deleted (T; older notation c.1895delT).
Protein change: p.Leu632fs; shifts the reading frame from leucine 632.
Molecular consequence: frameshift variant.
Genome position (GRCh38, 1-based): chr7:92,506,253, A deleted on the plus strand (T on the coding strand, the reverse complement: PEX1 is on the minus strand); the first of 3 consecutive A bases (chr7:92,506,253-92,506,255); deleting any one gives the same sequence. VCF-style (leftmost placement, unchanged base first): chr7-92506252-TA-T. GRCh37 (hg19) VCF-style: chr7-92135566-TA-T.
Other names: c.1895del, p.Leu632fs (NM_001282677.2); c.1271del, p.Leu424fs (NM_001282678.2); short protein forms L424fs, L632fs.
Identifiers: ClinVar variation 1725253 (VCV001725253.3), dbSNP rs2484673340, ClinGen allele CA2580077829.
Genomic context (GRCh38, chr7:92,506,252, plus strand): 5'-CATTCCTGTCTTTCTAATGAAAAAGGGATTTATATAGAGTGTTACCATACTCATACCTCG[TA>T]AAGCTTTACAGTCAACTCTCTCCACATGGGCATCCAGTTTGTCAAATGCTTCTTTACAGA-3'

ClinVar aggregate classification (germline): Likely pathogenic (1 of 4 stars; one submission).

Conditions:
Peroxisome biogenesis disorder. Identifiers: Orphanet 79189, MedGen C1832200, MONDO:0019234. Disease mechanism: loss of function.

Submission:

Myriad Genetics, Inc.
Classification: Likely pathogenic for Peroxisome biogenesis disorder. Last evaluated: 2022-03-15. Review status: criteria provided, single submitter. Criteria: Myriad Autosomal Dominant, Autosomal Recessive and X-Linked Classification Criteria (2023). Collection method: clinical testing. Allele origin: unknown.
Comment: NM_000466.2(PEX1):c.1895delT(L632Yfs*13) is expected to be pathogenic in the context of peroxisome biogenesis disorder type 1. This variant is predicted to lead to an abnormal or absent protein product due to the creation of a premature termination codon in PEX1, a gene where loss-of-function variants are known to be pathogenic. Please note: this variant was assessed in the context of healthy population screening.